The following is an entry in ClinVar:

ClinVar aggregate classification (germline): Pathogenic. Review status: criteria provided, multiple submitters, no conflicts (2 of 4 stars). 2 submissions from 2 submitters: Pathogenic (2). Last evaluated 2022-07-12.

Conditions:
Nephronophthisis 18 (NPHP18). Identifiers: Orphanet 655, MedGen C3890591, MONDO:0014374, OMIM 615862.

Submissions (2):

Labcorp Genetics (formerly Invitae), Labcorp
Classification: Pathogenic for Nephronophthisis 18. Last evaluated: 2022-07-12. Review status: criteria provided, single submitter. Criteria: Invitae Variant Classification Sherloc (09022015). Collection method: clinical testing. Allele origin: germline.
Comment: This sequence change creates a premature translational stop signal (p.Glu356Aspfs*15) in the CEP83 gene. It is expected to result in an absent or disrupted protein product. Loss-of-function variants in CEP83 are known to be pathogenic (PMID: 23530209, 24882706). This variant is present in population databases (no rsID available, gnomAD 0.003%). This variant has not been reported in the literature in individuals affected with CEP83-related conditions. ClinVar contains an entry for this variant (Variation ID: 420205). For these reasons, this variant has been classified as Pathogenic.

GeneDx
Classification: Pathogenic. Last evaluated: 2015-12-14. Review status: criteria provided, single submitter. Criteria: GeneDx Variant Classification (06012015). Collection method: clinical testing. Allele origin: germline. Affected: yes.
Comment: The c.1067_1068insTA variant in the CEP83 gene has not been reported previously as a pathogenic variant nor as a benign variant, to our knowledge. The c.1067_1068insTA variant causes a frameshift starting with codon Glutamic Acid 356, changes this amino acid to a Aspartic Acid residue, and creates a premature Stop codon at position 15 of the new reading frame, denoted p.Glu356AspfsX15. This variant is predicted to cause loss of normal protein function either through protein truncation or nonsense-mediated mRNA decay. The c.1067_1068insTA variant was not observed in approximately 5900 individuals of European and African American ancestry in the NHLBI Exome Sequencing Project, indicating it is not a common benign variant in these populations. We interpret c.1067_1068insTA as a pathogenic variant.

Literature cited by the submitters: PubMed 23530209 (cited by Labcorp Genetics (formerly Invitae), Labcorp); PubMed 24882706 (cited by Labcorp Genetics (formerly Invitae), Labcorp).

NM_016122.3(CEP83):c.1067_1068insTA (p.Glu356fs)

Gene: CEP83 (centrosomal protein 83; minus strand). Cytogenetic location: 12q22.
Variant type: Insertion.
Coding change: c.1067_1068insTA on transcript NM_016122.3 (MANE Select); coding-DNA positions 1067 to 1068, TA inserted.
Protein change: p.Glu356fs; shifts the reading frame from glutamic acid 356.
Molecular consequence: frameshift variant. On other transcripts: non-coding transcript variant (1).
Genome position: GRCh38 VCF-style: chr12-94368182-T-TTA. GRCh37 (hg19) VCF-style: chr12-94761958-T-TTA.
Other names: c.1067_1068insTA, p.Glu356fs (NM_001042399.2, NM_001346457.2, NM_001368037.1 and 1 more transcripts); c.755_756insTA, p.Glu252fs (NM_001346458.2, NM_001346459.2, NM_001368039.1 and 1 more transcripts); c.842_843insTA, p.Glu281fs (NM_001368041.1); short protein forms E281fs, E252fs, E356fs.
Identifiers: ClinVar variation 420205 (VCV000420205.7), dbSNP rs1064794347, ClinGen allele CA16619604.